The following is an entry in ClinVar:

ClinVar aggregate classification (germline): Uncertain significance (1 of 4 stars; one submission).

Submission:

Labcorp Genetics (formerly Invitae), Labcorp
Classification: Uncertain significance. Last evaluated: 2025-01-06. Review status: criteria provided, single submitter. Criteria: Invitae Variant Classification Sherloc (09022015). Collection method: clinical testing. Allele origin: germline.
Comment: This variant, c.496_516del, results in the deletion of 7 amino acid(s) of the TPRN protein (p.Pro166_Ala172del), but otherwise preserves the integrity of the reading frame. The frequency data for this variant in the population databases is considered unreliable, as metrics indicate insufficient coverage at this position in the gnomAD database. This variant has not been reported in the literature in individuals affected with TPRN-related conditions. ClinVar contains an entry for this variant (Variation ID: 2042904). Experimental studies and prediction algorithms are not available or were not evaluated, and the functional significance of this variant is currently unknown. In summary, the available evidence is currently insufficient to determine the role of this variant in disease. Therefore, it has been classified as a Variant of Uncertain Significance.

NM_001128228.3(TPRN):c.496_516del (p.Pro166_Ala172del)

Gene: TPRN (taperin; minus strand). Cytogenetic location: 9q34.3.
Variant type: Deletion.
Coding change: c.496_516del on transcript NM_001128228.3 (MANE Select); coding-DNA positions 496 to 516, 21 bases deleted (CCGCCCCGGCCCCCGCCCGCG).
Protein change: p.Pro166_Ala172del.
Molecular consequence: inframe deletion.
Genome position (GRCh38, 1-based): chr9:137,200,196-137,200,216, CGCGGGCGGGGGCCGGGGCGG deleted on the plus strand (CCGCCCCGGCCCCCGCCCGCG on the coding strand, the reverse complement: TPRN is on the minus strand); deleting any 21 consecutive bases within chr9:137,200,196-137,200,225 gives the same sequence; the c. name uses the placement nearest the transcript's 3' end. VCF-style (leftmost placement, unchanged base first): chr9-137200195-CCGCGGGCGGGGGCCGGGGCGG-C. GRCh37 (hg19) VCF-style: chr9-140094647-CCGCGGGCGGGGGCCGGGGCGG-C.
Identifiers: ClinVar variation 2042904 (VCV002042904.4), dbSNP rs1201109957, ClinGen allele CA918579601.
Genomic context (GRCh38, chr9:137,200,195, plus strand): 5'-GCCGGGCCCCGGGGCTCGCCCCGCCACCGCGGGGCCCGGGCGCGGCGGGCGGGCTGGGGG[CCGCGGGCGGGGGCCGGGGCGG>C]CGCGGGCGGCGGCGGCGGCGGCGGGGGGCGGGCGCGCTCGGGGCTCCCGCGGCGGCGCGG-3'